The following is an entry in ClinVar:

NM_003240.5(LEFTY2):c.474C>T (p.Asn158=)

Gene: LEFTY2 (left-right determination factor 2; minus strand). Cytogenetic location: 1q42.12.
Variant type: single nucleotide variant.
Coding change: c.474C>T on transcript NM_003240.5 (MANE Select); coding-DNA position 474, C replaced by T.
Protein change: p.Asn158=; no amino-acid change (asparagine 158 retained).
Molecular consequence: synonymous variant.
Genome position (GRCh38, 1-based): chr1:225,939,779, G>A on the plus strand (C>T on the coding strand, the complement: LEFTY2 is on the minus strand). VCF-style: chr1-225939779-G-A. GRCh37 (hg19) VCF-style: chr1-226127479-G-A.
Other names: c.372C>T, p.Asn124= (NM_001172425.3).
Identifiers: ClinVar variation 259008 (VCV000259008.15), dbSNP rs188858500, ClinGen allele CA1420590.

ClinVar aggregate classification (germline): Benign. Review status: criteria provided, multiple submitters, no conflicts (2 of 4 stars). 3 submissions from 3 submitters: Benign (3). Last evaluated 2025-11-17.

Conditions:
Left-right axis malformations. Identifiers: MedGen C1866091.

Allele frequency attached by ClinVar (database versions not stated): 1000 Genomes Project 0.00639; 1000 Genomes Project 30x 0.00656; gnomAD 0.00083 and 0.00129; gnomAD exomes 0.00120 and 0.00314; TOPMed 0.00173; ExAC 0.00554.

Submissions (3):

Labcorp Genetics (formerly Invitae), Labcorp
Classification: Benign for Left-right axis malformations. Last evaluated: 2025-11-17. Review status: criteria provided, single submitter. Criteria: Invitae Variant Classification Sherloc (09022015). Collection method: clinical testing. Allele origin: germline.

Illumina Laboratory Services, Illumina
Classification: Benign for Left-right axis malformations. Last evaluated: 2018-01-13. Review status: criteria provided, single submitter. Criteria: ICSL Variant Classification Criteria 13 December 2019. Collection method: clinical testing. Allele origin: germline.
Comment: This variant was observed in the ICSL laboratory as part of a predisposition screen in an ostensibly healthy population. It had not been previously curated by ICSL or reported in the Human Gene Mutation Database (HGMD: prior to June 1st, 2018), and was therefore a candidate for classification through an automated scoring system. Utilizing variant allele frequency, disease prevalence and penetrance estimates, and inheritance mode, an automated score was calculated to assess if this variant is too frequent to cause the disease. Based on the score and internal cut-off values, a variant classified as benign is not then subjected to further curation. The score for this variant resulted in a classification of benign for this disease.

PreventionGenetics, part of Exact Sciences
Classification: Benign. Review status: criteria provided, single submitter. Criteria: ACMG Guidelines, 2015. Collection method: clinical testing. Allele origin: germline.